The following is an entry in ClinVar:

NM_005027.4(PIK3R2):c.264T>C (p.Pro88=)

Gene: PIK3R2 (phosphoinositide-3-kinase regulatory subunit 2; plus strand). Cytogenetic location: 19p13.11.
Variant type: single nucleotide variant.
Coding change: c.264T>C on transcript NM_005027.4 (MANE Select); coding-DNA position 264, T replaced by C.
Protein change: p.Pro88=; no amino-acid change (proline 88 retained).
Molecular consequence: synonymous variant. On other transcripts: non-coding transcript variant (2).
Genome position (GRCh38, 1-based): chr19:18,156,143, T>C. VCF-style: chr19-18156143-T-C. GRCh37 (hg19) VCF-style: chr19-18266953-T-C.
Identifiers: ClinVar variation 3390174 (VCV003390174.14).

ClinVar aggregate classification (germline): Likely benign (1 of 4 stars; one submission).

gnomAD v4.1: 14 of 1,477,358 alleles (0.00095%); highest among the groups gnomAD compares: East Asian, 0.034%; no homozygotes.

Submission:

CeGaT Center for Human Genetics Tuebingen
Classification: Likely benign. Last evaluated: 2024-11-01. Review status: criteria provided, single submitter. Criteria: CeGaT Center For Human Genetics Tuebingen Variant Classification Criteria Version 2. Collection method: clinical testing. Allele origin: germline. Affected: yes. Observed: 1 variant allele.
Comment: PIK3R2: BP4, BP7